The following is an entry in ClinVar:

ClinVar aggregate classification (germline): Benign/Likely benign. Review status: criteria provided, multiple submitters, no conflicts (2 of 4 stars). 2 submissions from 2 submitters: Benign (1); Likely benign (1). Last evaluated 2026-09-01.

Allele frequency attached by ClinVar (database versions not stated): ExAC 0.00003; TOPMed 0.00005; gnomAD exomes 0.00006 and 0.00007; gnomAD 0.00031.
gnomAD v4.1: 153 of 1,613,930 alleles (0.0095%); highest among the groups gnomAD compares: Non-Finnish European, 0.012%; no homozygotes.

Submissions (2):

CeGaT Center for Human Genetics Tuebingen
Classification: Likely benign. Last evaluated: 2026-09-01. Review status: criteria provided, single submitter. Criteria: CeGaT Center For Human Genetics Tuebingen Variant Classification Criteria Version 2. Collection method: clinical testing. Allele origin: germline. Affected: yes. Observed: 5 variant alleles.
Comment: KNL1: BP4, BP7

Laboratory of Genetics, Children's Clinical University Hospital Latvia
Classification: Benign. Last evaluated: 2025-02-16. Review status: criteria provided, single submitter. Criteria: ACMG Guidelines, 2015. Collection method: clinical testing. Allele origin: germline. Affected: yes.

NM_144508.5(KNL1):c.3003A>G (p.Gly1001=)

Gene: KNL1 (kinetochore scaffold 1; plus strand). Cytogenetic location: 15q15.1.
Variant type: single nucleotide variant.
Coding change: c.3003A>G on transcript NM_144508.5 (MANE Select); coding-DNA position 3003, A replaced by G.
Protein change: p.Gly1001=; no amino-acid change (glycine 1001 retained).
Molecular consequence: synonymous variant.
Genome position (GRCh38, 1-based): chr15:40,623,267, A>G. VCF-style: chr15-40623267-A-G. GRCh37 (hg19) VCF-style: chr15-40915465-A-G.
Other names: c.3081A>G, p.Gly1027= (NM_170589.5).
Identifiers: ClinVar variation 1675565 (VCV001675565.34), dbSNP rs748749791, ClinGen allele CA7482944.